The following is an entry in ClinVar:

NM_001042492.3(NF1):c.2896G>A (p.Ala966Thr)

Gene: NF1 (neurofibromin 1; plus strand). Cytogenetic location: 17q11.2.
Variant type: single nucleotide variant.
Coding change: c.2896G>A on transcript NM_001042492.3 (MANE Select); coding-DNA position 2896, G replaced by A.
Protein change: p.Ala966Thr; replaces alanine 966 with threonine.
Molecular consequence: missense variant.
Genome position (GRCh38, 1-based): chr17:31,229,880, G>A. VCF-style: chr17-31229880-G-A. GRCh37 (hg19) VCF-style: chr17-29556898-G-A.
Other names: c.2896G>A, p.Ala966Thr (NM_000267.4); short protein forms A966T.
Identifiers: ClinVar variation 230931 (VCV000230931.47), dbSNP rs876658849, ClinGen allele CA10580268.

ClinVar aggregate classification (germline): Uncertain significance. Review status: criteria provided, multiple submitters, no conflicts (2 of 4 stars). 7 submissions from 6 submitters: Uncertain significance (7). Last evaluated 2025-10-29.

Conditions:
Cardiovascular phenotype. Identifiers: MedGen CN230736.
Hereditary cancer-predisposing syndrome. Also called: Tumor predisposition; Hereditary neoplastic syndrome; Hereditary Cancer Syndrome; Neoplastic Syndromes, Hereditary. Identifiers: Orphanet 140162, MedGen C0027672, MeSH D009386, MONDO:0015356.
Neurofibromatosis, type 1 (NF1). Also called: VON RECKLINGHAUSEN DISEASE; Peripheral type neurofibromatosis; NEUROFIBROMATOSIS, TYPE I, SOMATIC; Neurofibromatosis, type I. Identifiers: Orphanet 636, MedGen C0027831, MONDO:0018975, OMIM 162200. Disease mechanism: loss of function.

Allele frequency attached by ClinVar (database versions not stated): gnomAD exomes below 0.00001.

Submissions (7):

Dasa
Classification: Uncertain significance. Last evaluated: 2025-10-29. Review status: criteria provided, single submitter. Criteria: DASA Assertion Criteria. Collection method: clinical testing. Allele origin: germline.
Comment: NM_001042492.3(NF1):c.2896G>A (p.Ala966Thr) is a missense variant that results in the substitution of alanine with threonine. This variant is rare in population databases. Computational prediction algorithms are consistent with a benign effect. The currently available literature and clinical evidence are not sufficient to establish a definitive association between this variant and the reported condition. Therefore, this variant is classified as a variant of uncertain significance.

Quest Diagnostics Nichols Institute San Juan Capistrano
Classification: Uncertain significance. Last evaluated: 2025-10-01. Review status: criteria provided, single submitter. Criteria: Quest Diagnostics criteria. Collection method: clinical testing. Allele origin: unknown.

Labcorp Genetics (formerly Invitae), Labcorp
Classification: Uncertain significance for Neurofibromatosis, type 1. Last evaluated: 2024-05-06. Review status: criteria provided, single submitter. Criteria: Invitae Variant Classification Sherloc (09022015). Collection method: clinical testing. Allele origin: germline.
Comment: This sequence change replaces alanine, which is neutral and non-polar, with threonine, which is neutral and polar, at codon 966 of the NF1 protein (p.Ala966Thr). This variant is not present in population databases (gnomAD no frequency). This missense change has been observed in individual(s) with breast cancer (PMID: 35264596). ClinVar contains an entry for this variant (Variation ID: 230931). Advanced modeling of protein sequence and biophysical properties (such as structural, functional, and spatial information, amino acid conservation, physicochemical variation, residue mobility, and thermodynamic stability) performed at Invitae indicates that this missense variant is not expected to disrupt NF1 protein function with a negative predictive value of 95%. In summary, the available evidence is currently insufficient to determine the role of this variant in disease. Therefore, it has been classified as a Variant of Uncertain Significance.

Genome-Nilou Lab
Classification: Uncertain significance for Neurofibromatosis, type 1. Last evaluated: 2022-03-15. Review status: criteria provided, single submitter. Criteria: ACMG Guidelines, 2015. Collection method: clinical testing. Allele origin: germline. Affected: no.

Ambry Genetics
Classification: Uncertain significance for Cardiovascular phenotype; Hereditary cancer-predisposing syndrome. Last evaluated: 2021-10-21. Review status: criteria provided, single submitter. Criteria: Ambry Variant Classification Scheme 2023. Collection method: clinical testing. Allele origin: germline.

Mendelics
Classification: Uncertain significance for Neurofibromatosis, type 1. Last evaluated: 2018-07-02. Review status: criteria provided, single submitter. Criteria: Mendelics Assertion Criteria 2017. Collection method: clinical testing. Allele origin: unknown.

Ambry Genetics
Classification: Uncertain significance for Hereditary cancer-predisposing syndrome. Last evaluated: 2015-03-20. Review status: criteria provided, single submitter. Criteria: Ambry Autosomal Dominant and X-Linked criteria (10/2015). Collection method: clinical testing. Allele origin: germline. Observed: 1 variant allele.
Comment: The p.A966T variant (also known as c.2896G>A), located in coding exon 22 of the NF1 gene, results from a G to A substitution at nucleotide position 2896. The alanine at codon 966 is replaced by threonine, an amino acid with similar properties. This variant was not reported in population based cohorts in the following databases: Database of Single Nucleotide Polymorphisms (dbSNP), NHLBI Exome Sequencing Project (ESP), and 1000 Genomes Project. In the ESP, this variant was not observed in 6501 samples (13002 alleles) with coverage at this position. To date, this alteration has been detected with an allele frequency of approximately 0.003% (greater than 30000 alleles tested) in our clinical cohort. This amino acid position is highly conserved in available vertebrate species. In addition, the in silico prediction for this alteration is inconclusive. Since supporting evidence is limited at this time, the clinical significance of p.A966T remains unclear.

Literature cited by the submitters: PubMed 35264596 (cited by Labcorp Genetics (formerly Invitae), Labcorp).